The following is an entry in ClinVar:

NM_001127464.1:c.2572C>T

Gene: ZNF469 (zinc finger protein 469; plus strand).
Variant type: single nucleotide variant.
Identifiers: ClinVar variation 4615422 (VCV004615422.1).

ClinVar aggregate classification (germline): Uncertain significance (1 of 4 stars; one submission).

Conditions:
Cardiovascular phenotype. Identifiers: MedGen CN230736.

Submission:

Ambry Genetics
Classification: Uncertain significance for Cardiovascular phenotype. Last evaluated: 2025-09-18. Review status: criteria provided, single submitter. Criteria: Ambry Variant Classification Scheme 2023. Collection method: clinical testing. Allele origin: germline.
Comment: The p.P858S variant (also known as c.2572C>T), located in coding exon 1 of the ZNF469 gene, results from a C to T substitution at nucleotide position 2572. The proline at codon 858 is replaced by serine, an amino acid with similar properties. This amino acid position is conserved. In addition, this alteration is predicted to be tolerated by in silico analysis. Based on the available evidence, the clinical significance of this variant remains unclear.